The following is an entry in ClinVar:

ClinVar aggregate classification (germline): Pathogenic (1 of 4 stars; one submission).

Submission:

Labcorp Genetics (formerly Invitae), Labcorp
Classification: Pathogenic. Last evaluated: 2025-04-24. Review status: criteria provided, single submitter. Criteria: Invitae Variant Classification Sherloc (09022015). Collection method: clinical testing. Allele origin: germline.
Comment: This sequence change creates a premature translational stop signal (p.Arg279*) in the FOXC2 gene. While this is not anticipated to result in nonsense mediated decay, it is expected to disrupt the last 223 amino acid(s) of the FOXC2 protein. The frequency data for this variant in the population databases is considered unreliable, as metrics indicate poor data quality at this position in the gnomAD database. This variant has not been reported in the literature in individuals affected with FOXC2-related conditions. This variant disrupts a region of the FOXC2 protein in which other variant(s) (p.Tyr313Argfs*152) have been determined to be pathogenic (PMID: 11371511, 24167460, 35716761). This suggests that this is a clinically significant region of the protein, and that variants that disrupt it are likely to be disease-causing. For these reasons, this variant has been classified as Pathogenic.

Literature cited by the submitters: PubMed 11371511; PubMed 24167460; PubMed 35716761.

NM_005251.3(FOXC2):c.835C>T (p.Arg279Ter)

Gene: FOXC2 (forkhead box C2; plus strand). Cytogenetic location: 16q24.1.
Variant type: single nucleotide variant.
Coding change: c.835C>T on transcript NM_005251.3 (MANE Select); coding-DNA position 835, C replaced by T.
Protein change: p.Arg279Ter; replaces arginine 279 with a stop codon.
Molecular consequence: nonsense.
Genome position (GRCh38, 1-based): chr16:86,568,170, C>T. VCF-style: chr16-86568170-C-T. GRCh37 (hg19) VCF-style: chr16-86601776-C-T.
Other names: short protein forms R279*.
Identifiers: ClinVar variation 4712155 (VCV004712155.1).
Genomic context (GRCh38, chr16:86,568,170, plus strand): 5'-CACCACGCCGCGGCGCCCAACGGGCTGCCTGGCTTCAGCGTGGAGAACATCATGACCCTG[C>T]GAACGTCGCCGCCGGGCGGAGAGCTGAGCCCGGGGGCCGGACGCGCGGGCCTGGTGGTGC-3'